The following is an entry in ClinVar:

NM_000430.4(PAFAH1B1):c.628G>T (p.Ala210Ser)

Gene: PAFAH1B1 (platelet activating factor acetylhydrolase 1b regulatory subunit 1; plus strand). Cytogenetic location: 17p13.3.
Variant type: single nucleotide variant.
Coding change: c.628G>T on transcript NM_000430.4 (MANE Select); coding-DNA position 628, G replaced by T.
Protein change: p.Ala210Ser; replaces alanine 210 with serine.
Molecular consequence: missense variant.
Genome position (GRCh38, 1-based): chr17:2,672,714, G>T. VCF-style: chr17-2672714-G-T. GRCh37 (hg19) VCF-style: chr17-2576008-G-T.
Other names: short protein forms A210S.
Identifiers: ClinVar variation 1416737 (VCV001416737.8), dbSNP rs2151666389, ClinGen allele CA397641331.

ClinVar aggregate classification (germline): Uncertain significance (1 of 4 stars; one submission).

gnomAD v4.1: 1 of 1,613,402 alleles (0.000062%); highest among the groups gnomAD compares: Non-Finnish European, 0.000085%; no homozygotes.

Submission:

Labcorp Genetics (formerly Invitae), Labcorp
Classification: Uncertain significance. Last evaluated: 2025-10-13. Review status: criteria provided, single submitter. Criteria: Invitae Variant Classification Sherloc (09022015). Collection method: clinical testing. Allele origin: germline.
Comment: This sequence change replaces alanine, which is neutral and non-polar, with serine, which is neutral and polar, at codon 210 of the PAFAH1B1 protein (p.Ala210Ser). This variant is not present in population databases (gnomAD no frequency). This variant has not been reported in the literature in individuals affected with PAFAH1B1-related conditions. ClinVar contains an entry for this variant (Variation ID: 1416737). An algorithm developed to predict the effect of missense changes on protein structure and function (PolyPhen-2) suggests that this variant is likely to be tolerated. In summary, the available evidence is currently insufficient to determine the role of this variant in disease. Therefore, it has been classified as a Variant of Uncertain Significance.